The following is an entry in ClinVar:

ClinVar aggregate classification (germline): Uncertain significance. Review status: criteria provided, multiple submitters, no conflicts (2 of 4 stars). 2 submissions from 2 submitters: Uncertain significance (2). Last evaluated 2024-08-27.

Conditions:
Hereditary cancer-predisposing syndrome. Also called: Neoplastic Syndromes, Hereditary; Hereditary neoplastic syndrome; Tumor predisposition; Hereditary Cancer Syndrome. Identifiers: Orphanet 140162, MedGen C0027672, MeSH D009386, MONDO:0015356.
Multiple endocrine neoplasia type 4. Also called: MULTIPLE ENDOCRINE NEOPLASIA, TYPE IV. Identifiers: Orphanet 276152, MedGen C1970712, MONDO:0012552, OMIM 610755.

Submissions (2):

Labcorp Genetics (formerly Invitae), Labcorp
Classification: Uncertain significance for Multiple endocrine neoplasia type 4. Last evaluated: 2024-08-27. Review status: criteria provided, single submitter. Criteria: Invitae Variant Classification Sherloc (09022015). Collection method: clinical testing. Allele origin: germline.
Comment: This sequence change replaces tyrosine, which is neutral and polar, with cysteine, which is neutral and slightly polar, at codon 88 of the CDKN1B protein (p.Tyr88Cys). This variant is not present in population databases (gnomAD no frequency). This variant has not been reported in the literature in individuals affected with CDKN1B-related conditions. An algorithm developed to predict the effect of missense changes on protein structure and function (PolyPhen-2) suggests that this variant is likely to be disruptive. In summary, the available evidence is currently insufficient to determine the role of this variant in disease. Therefore, it has been classified as a Variant of Uncertain Significance.

Ambry Genetics
Classification: Uncertain significance for Hereditary cancer-predisposing syndrome. Last evaluated: 2024-05-05. Review status: criteria provided, single submitter. Criteria: Ambry Variant Classification Scheme 2023. Collection method: clinical testing. Allele origin: germline.
Comment: The p.Y88C variant (also known as c.263A>G), located in coding exon 1 of the CDKN1B gene, results from an A to G substitution at nucleotide position 263. The tyrosine at codon 88 is replaced by cysteine, an amino acid with highly dissimilar properties. This amino acid position is conserved. In addition, this alteration is predicted to be deleterious by in silico analysis. Based on the available evidence, the clinical significance of this variant remains unclear.

NM_004064.5(CDKN1B):c.263A>G (p.Tyr88Cys)

Gene: CDKN1B (cyclin dependent kinase inhibitor 1B; plus strand). Cytogenetic location: 12p13.1.
Variant type: single nucleotide variant.
Coding change: c.263A>G on transcript NM_004064.5 (MANE Select); coding-DNA position 263, A replaced by G.
Protein change: p.Tyr88Cys; replaces tyrosine 88 with cysteine.
Molecular consequence: missense variant.
Genome position (GRCh38, 1-based): chr12:12,718,102, A>G. VCF-style: chr12-12718102-A-G. GRCh37 (hg19) VCF-style: chr12-12871036-A-G.
Other names: short protein forms Y88C.
Identifiers: ClinVar variation 3265558 (VCV003265558.3).